The following is an entry in ClinVar:

ClinVar aggregate classification (germline): Uncertain significance (1 of 4 stars; one submission).

Conditions:
Hereditary cancer-predisposing syndrome. Also called: Tumor predisposition; Neoplastic Syndromes, Hereditary; Hereditary neoplastic syndrome; Hereditary Cancer Syndrome. Identifiers: Orphanet 140162, MedGen C0027672, MeSH D009386, MONDO:0015356.

Submission:

Ambry Genetics
Classification: Uncertain significance for Hereditary cancer-predisposing syndrome. Last evaluated: 2024-06-30. Review status: criteria provided, single submitter. Criteria: Ambry Variant Classification Scheme 2023. Collection method: clinical testing. Allele origin: germline.
Comment: The p.V561M variant (also known as c.1681G>A), located in coding exon 9 of the SMARCA4 gene, results from a G to A substitution at nucleotide position 1681. The valine at codon 561 is replaced by methionine, an amino acid with highly similar properties. This amino acid position is conserved. In addition, this alteration is predicted to be tolerated by in silico analysis. Based on the available evidence, the clinical significance of this variant remains unclear.

NM_003072.5(SMARCA4):c.1681G>A (p.Val561Met)

Gene: SMARCA4 (SWI/SNF related BAF chromatin remodeling complex subunit ATPase 4; plus strand). Cytogenetic location: 19p13.2.
Variant type: single nucleotide variant.
Coding change: c.1681G>A on transcript NM_003072.5 (MANE Select); coding-DNA position 1681, G replaced by A.
Protein change: p.Val561Met; replaces valine 561 with methionine.
Molecular consequence: missense variant. On other transcripts: non-coding transcript variant (1).
Genome position (GRCh38, 1-based): chr19:10,996,300, G>A. VCF-style: chr19-10996300-G-A. GRCh37 (hg19) VCF-style: chr19-11106976-G-A.
Other names: c.1681G>A, p.Val561Met (NM_001128844.3, NM_001128845.2, NM_001128846.2 and 6 more transcripts); short protein forms V561M.
Identifiers: ClinVar variation 3445970 (VCV003445970.1).